The following is an entry in ClinVar:

NM_014244.5(ADAMTS2):c.80TCCTGCCGCCGCCGCCGCCGC[3] (p.Pro33_Pro34insLeuLeuProProProProProLeuLeuProProProProPro)

Gene: ADAMTS2 (ADAM metallopeptidase with thrombospondin type 1 motif 2; minus strand). Cytogenetic location: 5q35.3.
Variant type: Microsatellite.
Coding change: c.80TCCTGCCGCCGCCGCCGCCGC[3] on transcript NM_014244.5 (MANE Select); three copies in a row of the 21-base unit TCCTGCCGCCGCCGCCGCCGC starting at c.80.
Protein change: p.Pro33_Pro34insLeuLeuProProProProProLeuLeuProProProProPro.
Molecular consequence: inframe insertion.
Genome position: GRCh38, VCF-style position (the base before the change): chr5:179,345,228. GRCh37 (hg19), VCF-style position (the base before the change): chr5:178,772,229.
Other names: c.80TCCTGCCGCCGCCGCCGCCGC[3], p.Pro33_Pro34insLeuLeuProProProProProLeuLeuProProProProPro (NM_021599.4).
Identifiers: ClinVar variation 2077370 (VCV002077370.1), dbSNP rs1064794627, ClinGen allele CA1085000611.

ClinVar aggregate classification (germline): Uncertain significance (1 of 4 stars; one submission).

Conditions:
Ehlers-Danlos syndrome, dermatosparaxis type. Also called: EDS VIIC; Dermatosparaxis; Ehlers-Danlos syndrome, type VII, autosomal recessive. Identifiers: Orphanet 1901, MedGen C2700425, MONDO:0009161, OMIM 225410.

Submission:

Labcorp Genetics (formerly Invitae), Labcorp
Classification: Uncertain significance for Ehlers-Danlos syndrome, dermatosparaxis type. Last evaluated: 2022-03-15. Review status: criteria provided, single submitter. Criteria: Invitae Variant Classification Sherloc (09022015). Collection method: clinical testing. Allele origin: germline.
Comment: This variant, c.100_101insTCCTGCCGCCGCCGCCGCCGCTCCTGCCGCCGCCGCCGCCGC, results in the insertion of 14 amino acid(s) of the ADAMTS2 protein (p.Pro33_Pro34insLeuLeuProProProProProLeuLeuProProProProPro), but otherwise preserves the integrity of the reading frame. This variant is not present in population databases (gnomAD no frequency). This variant has not been reported in the literature in individuals affected with ADAMTS2-related conditions. Experimental studies and prediction algorithms are not available or were not evaluated, and the functional significance of this variant is currently unknown. In summary, the available evidence is currently insufficient to determine the role of this variant in disease. Therefore, it has been classified as a Variant of Uncertain Significance.